The following is an entry in ClinVar:

NM_000338.3(SLC12A1):c.2342A>G (p.Tyr781Cys)

Gene: SLC12A1 (solute carrier family 12 member 1; plus strand). Cytogenetic location: 15q21.1.
Variant type: single nucleotide variant.
Coding change: c.2342A>G on transcript NM_000338.3 (MANE Select); coding-DNA position 2342, A replaced by G.
Protein change: p.Tyr781Cys; replaces tyrosine 781 with cysteine.
Molecular consequence: missense variant.
Genome position (GRCh38, 1-based): chr15:48,269,704, A>G. VCF-style: chr15-48269704-A-G. GRCh37 (hg19) VCF-style: chr15-48561901-A-G.
Other names: c.2342A>G, p.Tyr781Cys (NM_001184832.2); short protein forms Y781C.
Identifiers: ClinVar variation 953927 (VCV000953927.12), dbSNP rs370908136, ClinGen allele CA7547369.

ClinVar aggregate classification (germline): Uncertain significance. Review status: criteria provided, multiple submitters, no conflicts (2 of 4 stars). 6 submissions from 6 submitters: Uncertain significance (6). Last evaluated 2025-09-18.

Conditions:
SLC12A1-related disorder. Also called: SLC12A1-related condition.
Bartter disease type 1. Also called: HYPOKALEMIC ALKALOSIS WITH HYPERCALCIURIA 1, ANTENATAL; Bartter syndrome, type 1, antenatal; HYPERPROSTAGLANDIN E SYNDROME 1; Bartter Syndrome type 1. Identifiers: Orphanet 112, Orphanet 620217, MedGen C1866495, MONDO:0100344, OMIM 601678, MONDO:0011127.

Allele frequency attached by ClinVar (database versions not stated): gnomAD exomes 0.00006 and 0.00013; ExAC 0.00009; TOPMed 0.00011; gnomAD 0.00013 and 0.00014; ESP Exome Variant Server 0.00031.
gnomAD v4.1: 203 of 1,612,214 alleles (0.013%); highest among the groups gnomAD compares: Non-Finnish European, 0.017%; no homozygotes.

Submissions (6):

PreventionGenetics, part of Exact Sciences
Classification: Uncertain significance for SLC12A1-related condition. Last evaluated: 2025-09-18. Review status: criteria provided, single submitter. Criteria: ACMG Guidelines, 2015. Collection method: clinical testing. Allele origin: germline.
Comment: The SLC12A1 c.2342A>G variant is predicted to result in the amino acid substitution p.Tyr781Cys. To our knowledge, this variant has not been reported in the literature. This variant is reported in 0.013% of alleles in individuals of European (Non-Finnish) descent in gnomAD. At this time, the clinical significance of this variant is uncertain due to the absence of conclusive functional and genetic evidence.

Labcorp Genetics (formerly Invitae), Labcorp
Classification: Uncertain significance. Last evaluated: 2024-10-24. Review status: criteria provided, single submitter. Criteria: Invitae Variant Classification Sherloc (09022015). Collection method: clinical testing. Allele origin: germline.
Comment: This sequence change replaces tyrosine, which is neutral and polar, with cysteine, which is neutral and slightly polar, at codon 781 of the SLC12A1 protein (p.Tyr781Cys). This variant is present in population databases (rs370908136, gnomAD 0.01%). This variant has not been reported in the literature in individuals affected with SLC12A1-related conditions. ClinVar contains an entry for this variant (Variation ID: 953927). Invitae Evidence Modeling of protein sequence and biophysical properties (such as structural, functional, and spatial information, amino acid conservation, physicochemical variation, residue mobility, and thermodynamic stability) has been performed for this missense variant. However, the output from this modeling did not meet the statistical confidence thresholds required to predict the impact of this variant on SLC12A1 protein function. In summary, the available evidence is currently insufficient to determine the role of this variant in disease. Therefore, it has been classified as a Variant of Uncertain Significance.

Blueprint Genetics
Classification: Uncertain significance. Last evaluated: 2024-05-02. Review status: criteria provided, single submitter. Criteria: ACMG Guidelines, 2015. Collection method: clinical testing. Allele origin: germline.

Fulgent Genetics
Classification: Uncertain significance for Bartter disease type 1. Last evaluated: 2024-01-05. Review status: criteria provided, single submitter. Criteria: ACMG Guidelines, 2015. Collection method: clinical testing. Allele origin: germline.

Athena Diagnostics
Classification: Uncertain significance. Last evaluated: 2022-02-28. Review status: criteria provided, single submitter. Criteria: Athena Diagnostics Criteria. Collection method: clinical testing. Allele origin: unknown.

GeneDx
Classification: Uncertain significance. Last evaluated: 2021-07-01. Review status: criteria provided, single submitter. Criteria: GeneDx Variant Classification Process June 2021. Collection method: clinical testing. Allele origin: germline. Affected: yes.
Comment: In silico analysis supports that this missense variant has a deleterious effect on protein structure/function; Has not been previously published as pathogenic or benign to our knowledge; In silico analysis, which includes splice predictors and evolutionary conservation, suggests this variant may impact gene splicing. In the absence of RNA/functional studies, the actual effect of this sequence change is unknown.; This variant is associated with the following publications: (PMID: 27535533)